The following is an entry in ClinVar:

ClinVar aggregate classification (germline): Uncertain significance (1 of 4 stars; one submission).

Conditions:
Idiopathic generalized epilepsy. Also called: Generalised epilepsy; EIG. Identifiers: MedGen C0270850, MONDO:0005579, OMIM 600669.
Hyperaldosteronism, familial, type IV (HALD4). Also called: FH IV; ALDOSTERONISM, PRIMARY, AND HYPERTENSION. Identifiers: Orphanet 642671, MedGen C4310756, MONDO:0014875, OMIM 617027.

gnomAD v4.1: 7 of 1,602,120 alleles (0.00044%); highest among the groups gnomAD compares: Admixed American, 0.0017%; no homozygotes.

Submission:

Labcorp Genetics (formerly Invitae), Labcorp
Classification: Uncertain significance for Idiopathic generalized epilepsy; Hyperaldosteronism, familial, type IV. Last evaluated: 2022-01-14. Review status: criteria provided, single submitter. Criteria: Invitae Variant Classification Sherloc (09022015). Collection method: clinical testing. Allele origin: germline.
Comment: In summary, the available evidence is currently insufficient to determine the role of this variant in disease. Therefore, it has been classified as a Variant of Uncertain Significance. Advanced modeling of protein sequence and biophysical properties (such as structural, functional, and spatial information, amino acid conservation, physicochemical variation, residue mobility, and thermodynamic stability) performed at Invitae indicates that this missense variant is not expected to disrupt CACNA1H protein function. This variant has not been reported in the literature in individuals affected with CACNA1H-related conditions. The frequency data for this variant in the population databases is considered unreliable, as metrics indicate poor data quality at this position in the gnomAD database. This sequence change replaces phenylalanine, which is neutral and non-polar, with leucine, which is neutral and non-polar, at codon 1038 of the CACNA1H protein (p.Phe1038Leu).

NM_021098.3(CACNA1H):c.3114C>G (p.Phe1038Leu)

Gene: CACNA1H (calcium voltage-gated channel subunit alpha1 H; plus strand). Cytogenetic location: 16p13.3.
Variant type: single nucleotide variant.
Coding change: c.3114C>G on transcript NM_021098.3 (MANE Select); coding-DNA position 3114, C replaced by G.
Protein change: p.Phe1038Leu; replaces phenylalanine 1038 with leucine.
Molecular consequence: missense variant.
Genome position (GRCh38, 1-based): chr16:1,207,820, C>G. VCF-style: chr16-1207820-C-G. GRCh37 (hg19) VCF-style: chr16-1257820-C-G.
Other names: c.3114C>G, p.Phe1038Leu (NM_001005407.2); short protein forms F1038L.
Identifiers: ClinVar variation 1404274 (VCV001404274.9), dbSNP rs374946880, ClinGen allele CA7800616.